The following is an entry in ClinVar:

ClinVar aggregate classification (germline): Uncertain significance (1 of 4 stars; one submission).

Conditions:
Brugada syndrome. Also called: Sudden Unexplained Death Syndrome; Sudden Unexplained Nocturnal Death Syndrome (SUNDS); Sudden unexplained nocturnal death syndrome; Sudden unexpected nocturnal death syndrome. Identifiers: Orphanet 130, MedGen C1142166, MONDO:0015263.

gnomAD v4.1: 2 of 1,613,762 alleles (0.00012%); highest among the groups gnomAD compares: Admixed American, 0.0033%; no homozygotes.

Submission:

Labcorp Genetics (formerly Invitae), Labcorp
Classification: Uncertain significance for Brugada syndrome. Last evaluated: 2024-07-12. Review status: criteria provided, single submitter. Criteria: Invitae Variant Classification Sherloc (09022015). Collection method: clinical testing. Allele origin: germline.
Comment: This sequence change replaces threonine, which is neutral and polar, with serine, which is neutral and polar, at codon 409 of the SLMAP protein (p.Thr409Ser). This variant is present in population databases (rs763738449, gnomAD 0.003%). This variant has not been reported in the literature in individuals affected with SLMAP-related conditions. An algorithm developed to predict the effect of missense changes on protein structure and function (PolyPhen-2) suggests that this variant is likely to be tolerated. In summary, the available evidence is currently insufficient to determine the role of this variant in disease. Therefore, it has been classified as a Variant of Uncertain Significance.

NM_001377540.1(SLMAP):c.1328C>G (p.Thr443Ser)

Gene: SLMAP (sarcolemma associated protein; plus strand). Cytogenetic location: 3p14.3.
Variant type: single nucleotide variant.
Coding change: c.1328C>G on transcript NM_001377540.1 (MANE Select); coding-DNA position 1328, C replaced by G.
Protein change: p.Thr443Ser; replaces threonine 443 with serine.
Molecular consequence: missense variant. On other transcripts: 5 prime UTR variant (7), non-coding transcript variant (1).
Genome position (GRCh38, 1-based): chr3:57,890,068, C>G. VCF-style: chr3-57890068-C-G. GRCh37 (hg19) VCF-style: chr3-57875795-C-G.
Other names: c.1277C>G, p.Thr426Ser (NM_001304420.3, NM_001377541.1, NM_001377542.1 and 2 more transcripts); c.1163C>G, p.Thr388Ser (NM_001304421.2, NM_001377557.1, NM_001377559.1 and 1 more transcripts); c.-122C>G (NM_001304422.3, NM_001304423.3, NM_001311178.2 and 4 more transcripts); c.1328C>G, p.Thr443Ser (NM_001377538.1, NM_001377539.1, NM_001377555.1); c.1265C>G, p.Thr422Ser (NM_001377545.1, NM_001377922.1); c.1226C>G, p.Thr409Ser (NM_001377549.1, NM_001377923.1, NM_007159.5); c.1214C>G, p.Thr405Ser (NM_001377551.1, NM_001377552.1, NM_001377924.1); short protein forms T388S, T405S, T409S, T422S, T426S, T443S.
Identifiers: ClinVar variation 3626137 (VCV003626137.2).